The following is an entry in ClinVar:

ClinVar aggregate classification (germline): Conflicting classifications of pathogenicity. Review status: criteria provided, conflicting classifications (1 of 4 stars). 2 submissions from 2 submitters: Likely pathogenic (1); Uncertain significance (1). Last evaluated 2021-12-23.

Conditions:
Loeys-Dietz syndrome 1 (LDS1). Also called: TGFBR1-Related Loeys-Dietz Syndrome; AORTIC ANEURYSM, FAMILIAL THORACIC 5; FURLONG SYNDROME. Identifiers: Orphanet 60030, MedGen C4551955, MONDO:0012212, OMIM 609192.

Submissions (2):

Blueprint Genetics
Classification: Uncertain significance. Last evaluated: 2021-12-23. Review status: criteria provided, single submitter. Criteria: ACMG Guidelines, 2015. Collection method: clinical testing. Allele origin: germline.

Victorian Clinical Genetics Services, Murdoch Childrens Research Institute
Classification: Likely pathogenic for Loeys-Dietz syndrome 1. Last evaluated: 2021-05-06. Review status: criteria provided, single submitter. Criteria: ACMG Guidelines, 2015. Collection method: clinical testing. Allele origin: germline. Inheritance: Autosomal dominant inheritance. Affected: yes.
Comment: Based on the classification scheme VCGS_Germline_v1.3.4, this variant is classified as likely pathogenic. Following criteria are met: 0103 - Loss of function resulting from premature termination codon variants is a known mechanism of disease in this gene. In addition, missense variants have been postulated to exert a dominant negative effect. Both mechanisms are associated with Loeys-Dietz syndrome (MIM#609192) (PMID: 29706644; 21358634). (I) 0107 - This gene is associated with autosomal dominant disease. (I) 0200 - Variant is predicted to result in a missense amino acid change from lysine to glutamic acid. (I) 0251 - This variant is heterozygous. (I) 0301 - Variant is absent from gnomAD (both v2 and v3). (SP) 0502 - Missense variant with conflicting in silico predictions and uninformative conservation. (I) 0603 - Missense variant in a region that is highly intolerant to missense variation (high constraint region in DECIPHER) within the protein kinase domain (PDB). (SP) 0705 - No comparable missense variants have previous evidence for pathogenicity. (I) 0803 - This variant has limited previous evidence of pathogenicity in an unrelated individual. This variant has previously been reported as likely pathogenic in one individual with no additional information provided (Decipher) and also in a family with thoracic aortic aneurysm and dissection (Shariant, personal communication). (SP) 0902 - This variant has moderate evidence for segregation with disease. This variant was shown to segregate with disease in one family with thoracic aortic aneurysm and dissection (Shariant, personal communication). (SP) 1007 - No published functional evidence has been identified for this variant. (I) 1208 - Inheritance information for this variant is not currently available in this individual. (I) Legend: (SP) - Supporting pathogenic, (I) - Information, (SB) - Supporting benign

Literature cited by the submitters: PubMed 21358634 (cited by Victorian Clinical Genetics Services, Murdoch Childrens Research Institute); PubMed 29706644 (cited by Victorian Clinical Genetics Services, Murdoch Childrens Research Institute).

NM_004612.4(TGFBR1):c.1468A>G (p.Lys490Glu)

Gene: TGFBR1 (transforming growth factor beta receptor 1; plus strand). Cytogenetic location: 9q22.33.
Variant type: single nucleotide variant.
Coding change: c.1468A>G on transcript NM_004612.4 (MANE Select); coding-DNA position 1468, A replaced by G.
Protein change: p.Lys490Glu; replaces lysine 490 with glutamic acid.
Molecular consequence: missense variant.
Genome position (GRCh38, 1-based): chr9:99,149,261, A>G. VCF-style: chr9-99149261-A-G. GRCh37 (hg19) VCF-style: chr9-101911543-A-G.
Other names: c.1237A>G, p.Lys413Glu (NM_001130916.3, NM_001407435.1); c.1480A>G, p.Lys494Glu (NM_001306210.2); c.1312A>G, p.Lys438Glu (NM_001407416.1); c.1300A>G, p.Lys434Glu (NM_001407417.1); c.1273A>G, p.Lys425Glu (NM_001407418.1, NM_001407419.1, NM_001407420.1 and 1 more transcripts); c.1261A>G, p.Lys421Glu (NM_001407423.1, NM_001407424.1, NM_001407425.1 and 8 more transcripts); c.1222A>G, p.Lys408Glu (NM_001407436.1); c.760A>G, p.Lys254Glu (NM_001407437.1); and 1 more; short protein forms K254E, K331E, K408E, K413E, K421E, K425E, K434E, K438E.
Identifiers: ClinVar variation 1805069 (VCV001805069.2), dbSNP rs2118858700, ClinGen allele CA374233744.